The following is an entry in ClinVar:

NM_001258392.3(CLPB):c.1666T>C (p.Phe556Leu)

Gene: CLPB (ClpB family mitochondrial disaggregase; minus strand). Cytogenetic location: 11q13.4.
Variant type: single nucleotide variant.
Coding change: c.1666T>C on transcript NM_001258392.3 (MANE Select); coding-DNA position 1666, T replaced by C.
Protein change: p.Phe556Leu; replaces phenylalanine 556 with leucine.
Molecular consequence: missense variant.
Genome position (GRCh38, 1-based): chr11:72,294,339, A>G on the plus strand (T>C on the coding strand, the complement: CLPB is on the minus strand). VCF-style: chr11-72294339-A-G. GRCh37 (hg19) VCF-style: chr11-72005383-A-G.
Other names: c.1579T>C, p.Phe527Leu (NM_001258393.3); c.1621T>C, p.Phe541Leu (NM_001258394.3); c.1756T>C, p.Phe586Leu (NM_030813.6); short protein forms F527L, F541L, F586L, F556L.
Identifiers: ClinVar variation 3630166 (VCV003630166.2).
Genomic context (GRCh38, chr11:72,294,339, plus strand): 5'-CAGTGGCTGGCTATCCCGCCCCCACCCATGGGCAGTTCCCTCTTACTCTCTTGGCCCAGA[A>G]GTTTAGTTCCTTGTTGACGAGTTGGATGAGCTCCGAGTGGCAGAAGGGGAGGAAGTAGAC-3'
Protein context (NP_001245321.1, residues 546-566): LIQLVNKELN[Phe556Leu]WAKRAKQRHN

ClinVar aggregate classification (germline): Uncertain significance (1 of 4 stars; one submission).

Conditions:
3-methylglutaconic aciduria, type VIIB (MGCA7B). Also called: 3-methylglutaconic aciduria, type VII, with cataracts, neurologic involvement and neutropenia; CLPB Deficiency; 3-methylglutaconic aciduria with cataracts, neurologic involvement and neutropenia. Identifiers: Orphanet 445038, MedGen C5676893, MONDO:0014561, OMIM 616271.

gnomAD v4.1: 2 of 1,614,096 alleles (0.00012%); highest among the groups gnomAD compares: Admixed American, 0.0033%; no homozygotes.

Submission:

Labcorp Genetics (formerly Invitae), Labcorp
Classification: Uncertain significance for 3-methylglutaconic aciduria, type VIIB. Last evaluated: 2024-07-10. Review status: criteria provided, single submitter. Criteria: Invitae Variant Classification Sherloc (09022015). Collection method: clinical testing. Allele origin: germline.
Comment: This sequence change replaces phenylalanine, which is neutral and non-polar, with leucine, which is neutral and non-polar, at codon 586 of the CLPB protein (p.Phe586Leu). This variant is not present in population databases (gnomAD no frequency). This variant has not been reported in the literature in individuals affected with CLPB-related conditions. An algorithm developed to predict the effect of missense changes on protein structure and function (PolyPhen-2) suggests that this variant is likely to be tolerated. In summary, the available evidence is currently insufficient to determine the role of this variant in disease. Therefore, it has been classified as a Variant of Uncertain Significance.